The following is an entry in ClinVar:

ClinVar aggregate classification (germline): Pathogenic/Likely pathogenic. Review status: criteria provided, multiple submitters, no conflicts (2 of 4 stars). 3 submissions from 3 submitters: Pathogenic (1); Likely pathogenic (1). 1 of the submissions does not count toward it. Last evaluated 2025-07-29.

Conditions:
Familial hypercholesterolemia. Also called: Familial hypercholesterolaemia; Familial hypercholesterolemias. Identifiers: MedGen C0020445, MONDO:0005439.
Familial type 3 hyperlipoproteinemia. Also called: BROAD-BETALIPOPROTEINEMIA; Hyperlipoproteinemia type 3; Hyperlipoproteinemia type III; Dysbetalipoproteinemia; Familial dysbetalipoproteinemia; Broad beta disease. Identifiers: Orphanet 412, MedGen C0020479, MONDO:0018473, OMIM 617347.

Allele frequency attached by ClinVar (database versions not stated): 1000 Genomes Project 30x 0.00031; TOPMed 0.00001.
gnomAD v4.1: 52 of 1,559,738 alleles (0.0033%); highest among the groups gnomAD compares: Admixed American, 0.015%; no homozygotes.

Submissions (3):

Cambridge Genomics Laboratory, East Genomic Laboratory Hub, NHS Genomic Medicine Service
Classification: Pathogenic for Familial hypercholesterolaemia. Last evaluated: 2025-07-29. Review status: criteria provided, single submitter. Criteria: ACGS Best Practice Guidelines for Variant Classification in Rare Disease 2020. Collection method: clinical testing. Allele origin: germline. Affected: yes.
Comment: PM2,PS3_Sup,PS4,PM3_Sup,PP1_Mod

New York Genome Center
Classification: Likely pathogenic for Familial type 3 hyperlipoproteinemia. Last evaluated: 2022-05-17. Review status: criteria provided, single submitter. Criteria: NYGC Assertion Criteria 2020. Collection method: clinical testing. Allele origin: germline. Affected: yes. Observed: 1 heterozygote.
Comment: The c.460C>A (p.Arg154Ser) missense variant identified in the APOE gene also known as APOE-E2 Christchurch has been reported in multiple hyperlipidemic patients presenting familial combined hyperlipidemia (FCHL), familial dysbetalipoproteinemia FD or primary hypertriglyceridemia (HTG) and inherited on the autosomal dominant mode with reduced penetrance [PMID:22481068, 3038959, 8724110, 9125318, 27108409, 34058468]. The variant is situated in the receptor-binding domain and receptor-binding studies have shown that this variant had only 41% of the apoE3 receptor binding capacity and lipoprotein turnover studies showed a significantly reduced catabolic rate of VLDL particles from patients carrying the p.Arg154Ser variant [PMID: 2831187, 3038959]. The variant is observed in 13 alleles (0.0000354 allele frequency with 0 homozygotes) in population databases (gnomAD v2.1.1 and v3.1.2, TOPMed Freeze 8), suggesting it is not a common benign variant in the populations represented in those databases. The variant affects an evolutionarily conserved residue and in silico predictions are in favor of the deleterious effect of the variant on the encoded protein (CADD v1.6 = 25.6, REVEL = 0.670). Based on the available evidence, the c.460C>A (p.Arg154Ser) missense variant identified in the APOE gene is reported as likely pathogenic.

OMIM
Classification: Pathogenic for HYPERLIPOPROTEINEMIA, TYPE III, DUE TO APOE2-CHRISTCHURCH. Last evaluated: 1988-11-01. Review status: no assertion criteria provided. Collection method: literature only. Allele origin: germline. Not counted in ClinVar's aggregate classification.

Literature cited by the submitters: PubMed 3038959 (cited by OMIM); PubMed 3243553 (cited by OMIM).

NM_000041.4(APOE):c.460C>A (p.Arg154Ser)

Gene: APOE (apolipoprotein E; plus strand). Cytogenetic location: 19q13.32.
Variant type: single nucleotide variant.
Coding change: c.460C>A on transcript NM_000041.4 (MANE Select); coding-DNA position 460, C replaced by A.
Protein change: p.Arg154Ser; replaces arginine 154 with serine.
Molecular consequence: missense variant.
Genome position (GRCh38, 1-based): chr19:44,908,756, C>A. VCF-style: chr19-44908756-C-A. GRCh37 (hg19) VCF-style: chr19-45412013-C-A.
Other names: R136S; APOE, APOE2 AND ARG136SER; ApoE2 Christchurch; c.538C>A, p.Arg180Ser (NM_001302688.2); c.460C>A, p.Arg154Ser (NM_001302689.2, NM_001302690.2, NM_001302691.2); short protein forms R154S, R180S.
Identifiers: ClinVar variation 17850 (VCV000017850.4), dbSNP rs121918393, ClinGen allele CA127501.